The following is an entry in ClinVar:

NM_005751.5(AKAP9):c.7675A>C (p.Ile2559Leu)

Gene: AKAP9 (A-kinase anchoring protein 9; plus strand). Cytogenetic location: 7q21.2.
Variant type: single nucleotide variant.
Coding change: c.7675A>C on transcript NM_005751.5 (MANE Select); coding-DNA position 7675, A replaced by C.
Protein change: p.Ile2559Leu; replaces isoleucine 2559 with leucine.
Molecular consequence: missense variant.
Genome position (GRCh38, 1-based): chr7:92,079,808, A>C. VCF-style: chr7-92079808-A-C. GRCh37 (hg19) VCF-style: chr7-91709122-A-C.
Other names: p.Ile2559Leu; c.2320A>C, p.Ile774Leu (NM_001379277.1); c.7651A>C, p.Ile2551Leu (NM_147185.3); short protein forms I2551L, I2559L, I774L.
Identifiers: ClinVar variation 1011861 (VCV001011861.17), dbSNP rs757278868, ClinGen allele CA4337327.

ClinVar aggregate classification (germline): Uncertain significance. Review status: criteria provided, multiple submitters, no conflicts (2 of 4 stars). 3 submissions from 3 submitters: Uncertain significance (3). Last evaluated 2025-08-29.

Conditions:
Cardiovascular phenotype. Identifiers: MedGen CN230736.
Long QT syndrome (LQTS). Identifiers: MedGen C0023976, MeSH D008133, MONDO:0002442. Disease mechanism: loss of function. Inheritance: Various modes of inheritance.

Allele frequency attached by ClinVar (database versions not stated): ExAC 0.00002; gnomAD exomes 0.00003 and 0.00007; gnomAD 0.00004; TOPMed 0.00004.
gnomAD v4.1: 107 of 1,614,032 alleles (0.0066%); highest among the groups gnomAD compares: Non-Finnish European, 0.0087%; no homozygotes.

Submissions (3):

Ambry Genetics
Classification: Uncertain significance for Cardiovascular phenotype. Last evaluated: 2025-08-29. Review status: criteria provided, single submitter. Criteria: Ambry Variant Classification Scheme 2023. Collection method: clinical testing. Allele origin: germline.

Labcorp Genetics (formerly Invitae), Labcorp
Classification: Uncertain significance for Long QT syndrome. Last evaluated: 2024-06-30. Review status: criteria provided, single submitter. Criteria: Invitae Variant Classification Sherloc (09022015). Collection method: clinical testing. Allele origin: germline.
Comment: This sequence change replaces isoleucine, which is neutral and non-polar, with leucine, which is neutral and non-polar, at codon 2559 of the AKAP9 protein (p.Ile2559Leu). This variant is present in population databases (rs757278868, gnomAD 0.006%). This variant has not been reported in the literature in individuals affected with AKAP9-related conditions. ClinVar contains an entry for this variant (Variation ID: 1011861). An algorithm developed to predict the effect of missense changes on protein structure and function (PolyPhen-2) suggests that this variant is likely to be tolerated. In summary, the available evidence is currently insufficient to determine the role of this variant in disease. Therefore, it has been classified as a Variant of Uncertain Significance.

Mayo Clinic Laboratories, Mayo Clinic
Classification: Uncertain significance. Last evaluated: 2021-04-22. Review status: criteria provided, single submitter. Criteria: ACMG Guidelines, 2015. Collection method: clinical testing. Allele origin: germline.